The following is an entry in ClinVar:

NM_001319206.4(MEF2A):c.1283A>C (p.Gln428Pro)

Gene: MEF2A (myocyte enhancer factor 2A; plus strand). Cytogenetic location: 15q26.3.
Variant type: single nucleotide variant.
Coding change: c.1283A>C on transcript NM_001319206.4 (MANE Select); coding-DNA position 1283, A replaced by C.
Protein change: p.Gln428Pro; replaces glutamine 428 with proline.
Molecular consequence: missense variant.
Genome position (GRCh38, 1-based): chr15:99,712,536, A>C. VCF-style: chr15-99712536-A-C. GRCh37 (hg19) VCF-style: chr15-100252741-A-C.
Other names: c.455A>C, p.Gln152Pro (NM_001393561.3); c.1397A>C, p.Gln466Pro (NM_001400028.1); c.1289A>C, p.Gln430Pro (NM_001400029.1, NM_001400030.1, NM_001365203.3 and 1 more transcripts); c.1283A>C, p.Gln428Pro (NM_001400031.1, NM_001400032.1, NM_001400033.1 and 5 more transcripts); c.1259A>C, p.Gln420Pro (NM_001400054.1, NM_001400055.1, NM_001400056.1 and 15 more transcripts); c.1079A>C, p.Gln360Pro (NM_001130927.5, NM_001365209.3); c.1055A>C, p.Gln352Pro (NM_001130928.4, NM_001393559.2); c.1265A>C, p.Gln422Pro (NM_001352617.4, NM_001365207.3, NM_001400038.1 and 8 more transcripts); and 6 more; short protein forms Q152P, Q308P, Q315P, Q352P, Q354P, Q360P, Q362P, Q420P.
Identifiers: ClinVar variation 4083646 (VCV004083646.8).

ClinVar aggregate classification (germline): Likely benign (1 of 4 stars; one submission).

gnomAD v4.1: 173 of 1,380,068 alleles (0.013%); highest among the groups gnomAD compares: African/African-American, 0.14%; no homozygotes.

Submission:

CeGaT Center for Human Genetics Tuebingen
Classification: Likely benign. Last evaluated: 2026-04-01. Review status: criteria provided, single submitter. Criteria: CeGaT Center For Human Genetics Tuebingen Variant Classification Criteria Version 2. Collection method: clinical testing. Allele origin: germline. Affected: yes. Observed: 2 variant alleles.
Comment: MEF2A: BP4, BS1